The following is an entry in ClinVar:

ClinVar aggregate classification (germline): Likely benign. Review status: criteria provided, multiple submitters, no conflicts (2 of 4 stars). 3 submissions from 3 submitters: Likely benign (2). 1 of the submissions does not count toward it. Last evaluated 2025-12-17.

Conditions:
HSPG2-related disorder. Also called: HSPG2-related condition; HSPG2-related disorders.

Allele frequency attached by ClinVar (database versions not stated): ExAC 0.00003; gnomAD exomes 0.00004; gnomAD 0.00006; ESP Exome Variant Server 0.00008; TOPMed 0.00008.
gnomAD v4.1: 62 of 1,612,248 alleles (0.0038%); highest among the groups gnomAD compares: African/African-American, 0.019%; no homozygotes.

Submissions (4):

Labcorp Genetics (formerly Invitae), Labcorp
Classification: Likely benign. Last evaluated: 2025-12-17. Review status: criteria provided, single submitter. Criteria: Invitae Variant Classification Sherloc (09022015). Collection method: clinical testing. Allele origin: germline.

CeGaT Center for Human Genetics Tuebingen
Classification: Likely benign. Last evaluated: 2022-09-01. Review status: criteria provided, single submitter. Criteria: CeGaT Center For Human Genetics Tuebingen Variant Classification Criteria Version 2. Collection method: clinical testing. Allele origin: germline. Affected: yes. Observed: 1 variant allele.
Comment: HSPG2: BP4, BP7

PreventionGenetics, part of Exact Sciences
Classification: Likely benign for HSPG2-related condition. Last evaluated: 2024-04-18. Review status: no assertion criteria provided. Collection method: clinical testing. Allele origin: germline. Not counted in ClinVar's aggregate classification.
Comment: This variant is classified as likely benign based on ACMG/AMP sequence variant interpretation guidelines (Richards et al. 2015 PMID: 25741868, with internal and published modifications).

Dr. Peter K. Rogan Lab, Western University
No classification provided (evidence only). Condition: Gastric cancer. Review status: no classification provided. Collection method: in vitro. Allele origin: not applicable. Functional consequence: retained intron. Not counted in ClinVar's aggregate classification.

NM_005529.7(HSPG2):c.10464G>A (p.Ser3488=)

Gene: HSPG2 (heparan sulfate proteoglycan 2; minus strand). Cytogenetic location: 1p36.12.
Variant type: single nucleotide variant.
Coding change: c.10464G>A on transcript NM_005529.7 (MANE Select); coding-DNA position 10464, G replaced by A.
Protein change: p.Ser3488=; no amino-acid change (serine 3488 retained).
Molecular consequence: synonymous variant.
Genome position (GRCh38, 1-based): chr1:21,834,935, C>T on the plus strand (G>A on the coding strand, the complement: HSPG2 is on the minus strand). VCF-style: chr1-21834935-C-T. GRCh37 (hg19) VCF-style: chr1-22161428-C-T.
Other names: c.10467G>A, p.Ser3489= (NM_001291860.2); c.10464G>A (NM_005529.6).
Identifiers: ClinVar variation 1443640 (VCV001443640.30), dbSNP rs139359384, ClinGen allele CA670105.